The following is an entry in ClinVar:

NM_003839.4(TNFRSF11A):c.284-5C>T

Gene: TNFRSF11A (TNF receptor superfamily member 11a; plus strand). Cytogenetic location: 18q21.33.
Variant type: single nucleotide variant.
Coding change: c.284-5C>T on transcript NM_003839.4 (MANE Select); 5 bases into the intron before coding-DNA position 284, C replaced by T.
Molecular consequence: intron variant.
Genome position (GRCh38, 1-based): chr18:62,354,386, C>T. VCF-style: chr18-62354386-C-T. GRCh37 (hg19) VCF-style: chr18-60021619-C-T.
Other names: c.284-5C>T (NM_001270949.2, NM_001270950.2, NM_001270951.2 and 1 more transcripts).
Identifiers: ClinVar variation 327726 (VCV000327726.39), dbSNP rs371545302, ClinGen allele CA8983694.

ClinVar aggregate classification (germline): Benign/Likely benign. Review status: criteria provided, multiple submitters, no conflicts (2 of 4 stars). 5 submissions from 4 submitters: Benign (2); Likely benign (3). Last evaluated 2025-12-24.

Conditions:
Autosomal recessive osteopetrosis 7. Identifiers: Orphanet 178389, MedGen C2676766, MONDO:0012859, OMIM 612301.
Paget disease of bone 2, early-onset (PDB2). Also called: Paget disease of bone 2. Identifiers: MedGen C4085251, MONDO:0011183, OMIM 602080.

Allele frequency attached by ClinVar (database versions not stated): gnomAD exomes 0.00039; 1000 Genomes Project 30x 0.00078; 1000 Genomes Project 0.00080; ESP Exome Variant Server 0.00089; gnomAD 0.00121 and 0.00130; TOPMed 0.00160.

Submissions (5):

Labcorp Genetics (formerly Invitae), Labcorp
Classification: Benign. Last evaluated: 2025-12-24. Review status: criteria provided, single submitter. Criteria: Invitae Variant Classification Sherloc (09022015). Collection method: clinical testing. Allele origin: germline.

Blueprint Genetics
Classification: Likely benign. Last evaluated: 2024-08-09. Review status: criteria provided, single submitter. Criteria: ACMG Guidelines, 2015. Collection method: clinical testing. Allele origin: germline.

CeGaT Center for Human Genetics Tuebingen
Classification: Likely benign. Last evaluated: 2022-06-01. Review status: criteria provided, single submitter. Criteria: CeGaT Center For Human Genetics Tuebingen Variant Classification Criteria Version 2. Collection method: clinical testing. Allele origin: germline. Affected: yes. Observed: 1 variant allele.
Comment: TNFRSF11A: BP4

Illumina Laboratory Services, Illumina
Classification: Benign for Autosomal recessive osteopetrosis 7. Last evaluated: 2018-01-13. Review status: criteria provided, single submitter. Criteria: ICSL Variant Classification Criteria 13 December 2019. Collection method: clinical testing. Allele origin: germline.
Comment: This variant was observed in the ICSL laboratory as part of a predisposition screen in an ostensibly healthy population. It had not been previously curated by ICSL or reported in the Human Gene Mutation Database (HGMD: prior to June 1st, 2018), and was therefore a candidate for classification through an automated scoring system. Utilizing variant allele frequency, disease prevalence and penetrance estimates, and inheritance mode, an automated score was calculated to assess if this variant is too frequent to cause the disease. Based on the score and internal cut-off values, a variant classified as benign is not then subjected to further curation. The score for this variant resulted in a classification of benign for this disease.

Illumina Laboratory Services, Illumina
Classification: Likely benign for Paget disease of bone 2, early-onset. Last evaluated: 2018-01-13. Review status: criteria provided, single submitter. Criteria: ICSL Variant Classification Criteria 13 December 2019. Collection method: clinical testing. Allele origin: germline.
Comment: This variant was observed in the ICSL laboratory as part of a predisposition screen in an ostensibly healthy population. It had not been previously curated by ICSL or reported in the Human Gene Mutation Database (HGMD: prior to June 1st, 2018), and was therefore a candidate for classification through an automated scoring system. Utilizing variant allele frequency, disease prevalence and penetrance estimates, and inheritance mode, an automated score was calculated to assess if this variant is too frequent to cause the disease. Based on the score and internal cut-off values, a variant classified as likely benign is not then subjected to further curation. The score for this variant resulted in a classification of likely benign for this disease.